The following is an entry in ClinVar:

NM_007294.4(BRCA1):c.5194-42_5277+2del

Gene: BRCA1 (BRCA1 DNA repair associated; minus strand). Cytogenetic location: 17q21.31.
Variant type: Deletion.
Coding change: c.5194-42_5277+2del on transcript NM_007294.4 (MANE Select); 42 bases into the intron before coding-DNA position 5194 through the canonical splice donor site of the intron after coding-DNA position 5277, 128 bases deleted.
Molecular consequence: splice acceptor variant, splice donor variant.
Genome position (GRCh38, 1-based): chr17:43,057,050-43,057,177, 128 bases deleted. GRCh37 (hg19): chr17:41,209,068-41,209,195.
Other names: c.1741-42_1824+2del (NM_001408458.1, NM_001408461.1, NM_001408464.1 and 7 more transcripts); c.4303-42_4386+2del (NM_001407967.1); c.4813-42_4896+2del (NM_001407959.1); c.4927-42_5010+2del (NM_001407931.1, NM_001407932.1, NM_001407928.1 and 4 more transcripts); c.5050-42_5133+2del (NM_001407747.1, NM_001407745.1, NM_001407737.1 and 21 more transcripts); c.4810-42_4893+2del (NM_001407962.1, NM_001407960.1); c.1381-42_1464+2del (NM_001408512.1); c.1504-42_1587+2del (NM_001408510.1); and 72 more.
Identifiers: ClinVar variation 1049014 (VCV001049014.2), dbSNP rs2153353304, ClinGen allele CA2499224365.

ClinVar aggregate classification (germline): Pathogenic (0 of 4 stars; one submission).

Submission:

Department of Pathology and Laboratory Medicine, Sinai Health System
Classification: Pathogenic. Review status: no assertion criteria provided. Collection method: clinical testing. Allele origin: unknown. Affected: yes. Study: The Canadian Open Genetics Repository (COGR).
Comment: The BRCA1 c.5153_5277del variant (chr:17 g.41209069_41215390del GRCh37) results in a deletion of exon 19 and 20, although the precise breakpoints of this deletion were not determined, nor were the effects of this variant on the resulting mRNA or protein product determined. The BRCA1 p.Trp1718TyrfsX70 variant was not identified in the literature nor was it identified in the dbSNP, ClinVar, GeneInsight-COGR, Cosmic, MutDB, LOVD 3.0, UMD-LSDB, BIC Database, ARUP Laboratories, Zhejiang Colon Cancer Database, the 1000 Genomes Project, the NHLBI GO Exome Sequencing Project, the Exome Aggregation Consortium (August 8th 2016), or the Genome Aggregation Database (Feb 27, 2017). The c.5153-?_5277+?del variant is predicted to cause a frameshift, which alters the protein's amino acid sequence beginning at codon 1718 and leads to a premature stop codon 70 codons downstream. This alteration is then predicted to result in a truncated or absent protein and loss of function. Loss of function variants of the BRCA1 gene are an established mechanism of disease in hereditary breast and ovarian cancer and is the type of variant expected to cause the disorder. In summary, based on the above information this variant meets our laboratoryâ€šÃ„Ã´s criteria to be classified as pathogenic.